The following is an entry in ClinVar:

NM_001375524.1(TRRAP):c.6032G>A (p.Arg2011Gln)

Gene: TRRAP (transformation/transcription domain associated protein; plus strand). Cytogenetic location: 7q22.1.
Variant type: single nucleotide variant.
Coding change: c.6032G>A on transcript NM_001375524.1 (MANE Select); coding-DNA position 6032, G replaced by A.
Protein change: p.Arg2011Gln; replaces arginine 2011 with glutamine.
Molecular consequence: missense variant.
Genome position (GRCh38, 1-based): chr7:98,956,240, G>A. VCF-style: chr7-98956240-G-A. GRCh37 (hg19) VCF-style: chr7-98553863-G-A.
Other names: c.6011G>A, p.Arg2004Gln (NM_001244580.2); c.5957G>A, p.Arg1986Gln (NM_003496.4); short protein forms R1986Q, R2004Q, R2011Q.
Identifiers: ClinVar variation 634847 (VCV000634847.6), dbSNP rs1562959030, ClinGen allele CA368325812.

ClinVar aggregate classification (germline): Uncertain significance. Review status: criteria provided, multiple submitters, no conflicts (2 of 4 stars). 3 submissions from 3 submitters: Uncertain significance (2). 1 of the submissions does not count toward it. Last evaluated 2025-06-20.

Conditions:
Developmental delay with or without dysmorphic facies and autism. Identifiers: MedGen C5193106, MONDO:0032760, OMIM 618454.
TRRAP-related disorder. Also called: TRRAP-related condition.

Allele frequency attached by ClinVar (database versions not stated): gnomAD exomes below 0.00001.
gnomAD v4.1: 1 of 1,614,094 alleles (0.000062%); highest among the groups gnomAD compares: Non-Finnish European, 0.000085%; no homozygotes.

Submissions (3):

PreventionGenetics, part of Exact Sciences
Classification: Uncertain significance for TRRAP-related condition. Last evaluated: 2025-06-20. Review status: criteria provided, single submitter. Criteria: ACMG Guidelines, 2015. Collection method: clinical testing. Allele origin: germline.
Comment: The TRRAP c.5957G>A variant is predicted to result in the amino acid substitution p.Arg1986Gln. This variant was reported de novo in an individual with very early onset psychosis in the context of non-verbal learning disability and obsessive-compulsive disorder (Mavros et al. 2018. PubMed ID: 30424743). This variant has not been reported in a large population database (gnomAD), indicating this variant is rare. Although we suspect that this variant may be pathogenic, at this time, the clinical significance of this variant is uncertain due to the absence of conclusive functional and genetic evidence.

Labcorp Genetics (formerly Invitae), Labcorp
Classification: Uncertain significance. Last evaluated: 2023-10-03. Review status: criteria provided, single submitter. Criteria: Invitae Variant Classification Sherloc (09022015). Collection method: clinical testing. Allele origin: germline.
Comment: This sequence change replaces arginine, which is basic and polar, with glutamine, which is neutral and polar, at codon 1986 of the TRRAP protein (p.Arg1986Gln). This variant is not present in population databases (gnomAD no frequency). This missense change has been observed in individual(s) with TRRAP-related conditions (PMID: 30424743). ClinVar contains an entry for this variant (Variation ID: 634847). Advanced modeling of protein sequence and biophysical properties (such as structural, functional, and spatial information, amino acid conservation, physicochemical variation, residue mobility, and thermodynamic stability) performed at Invitae indicates that this missense variant is expected to disrupt TRRAP protein function. In summary, the available evidence is currently insufficient to determine the role of this variant in disease. Therefore, it has been classified as a Variant of Uncertain Significance.

OMIM
Classification: Pathogenic for DEVELOPMENTAL DELAY WITHOUT DYSMORPHIC FACIES OR AUTISM. Last evaluated: 2019-06-13. Review status: no assertion criteria provided. Collection method: literature only. Allele origin: germline. Not counted in ClinVar's aggregate classification.

Literature cited by the submitters: PubMed 30424743 (cited by Labcorp Genetics (formerly Invitae), Labcorp and OMIM).